The following is an entry in ClinVar:

ClinVar aggregate classification (germline): Conflicting classifications of pathogenicity. Review status: criteria provided, conflicting classifications (1 of 4 stars). 10 submissions from 10 submitters: Likely pathogenic (1); Uncertain significance (8). 1 of the submissions does not count toward it. Last evaluated 2026-09-18.

Conditions:
TNNC1-related disorder. Also called: TNNC1-related condition.
Cardiovascular phenotype. Identifiers: MedGen CN230736.
Dilated cardiomyopathy 1Z (CMD1Z). Identifiers: Orphanet 154, MedGen C2678475, MONDO:0012745, OMIM 611879.
Hypertrophic cardiomyopathy 13. Also called: TNNC1-Related Familial Hypertrophic Cardiomyopathy. Identifiers: MedGen C2750472, MONDO:0013195, OMIM 613243.

Allele frequency attached by ClinVar (database versions not stated): gnomAD exomes below 0.00001 and 0.00002; TOPMed 0.00001; gnomAD 0.00001.

Submissions (10):

PreventionGenetics, part of Exact Sciences
Classification: Uncertain significance for TNNC1-related condition. Last evaluated: 2026-09-18. Review status: criteria provided, single submitter. Criteria: ACMG Guidelines, 2015. Collection method: clinical testing. Allele origin: germline.
Comment: The TNNC1 c.86T>A variant is predicted to result in the amino acid substitution p.Leu29Gln. This variant has been reported in an individual with hypertrophic cardiomyopathy (HCM); however, evidence supporting pathogenicity was not provided (Hoffman et al. 2001. PubMed ID: 11385718). This variant has also been reported in an individual with HCM who was also heterozygous for a loss-of-function MYBPC3 variant more likely to serve as the primary cause of disease (Table S1, Chumakova et al. 2023. PubMed ID: 38002985). Numerous in vitro studies have been performed to evaluate the impact of the p.Leu29Gln variant on cardiac troponin C structure and function; however, their results are broadly conflicting and/or inconclusive, likely due to experimental design differences between studies (Schmidtmann et al. 2005. PubMed ID: 16302972; Liang et al. 2008. PubMed ID: 18285522; Dweck et al. 2008. PubMed ID: 18820258; Neulen et al. 2009. PubMed ID: 19506933; Li et al. 2013. PubMed ID: 24260207). This variant is reported in 0.0047% of alleles in individuals of European (Finnish) descent in gnomAD. At this time, the clinical significance of this variant is uncertain due to the absence of conclusive functional and genetic evidence.

Labcorp Genetics (formerly Invitae), Labcorp
Classification: Uncertain significance for Hypertrophic cardiomyopathy 13; Dilated cardiomyopathy 1Z. Last evaluated: 2025-12-22. Review status: criteria provided, single submitter. Criteria: Invitae Variant Classification Sherloc (09022015). Collection method: clinical testing. Allele origin: germline.
Comment: This sequence change replaces leucine, which is neutral and non-polar, with glutamine, which is neutral and polar, at codon 29 of the TNNC1 protein (p.Leu29Gln). This variant is present in population databases (rs267607123, gnomAD 0.005%). This missense change has been observed in individual(s) with hypertrophic cardiomyopathy (PMID: 11385718, 38002985). ClinVar contains an entry for this variant (Variation ID: 12442). An algorithm developed to predict the effect of missense changes on protein structure and function (PolyPhen-2) suggests that this variant is likely to be tolerated. Experimental studies are conflicting or provide insufficient evidence to determine the effect of this variant on TNNC1 function (PMID: 16302972, 18042489, 18063575, 18285522, 18820258, 19506933, 23008774, 23633581, 24260207, 26341255). Algorithms developed to predict the effect of sequence changes on RNA splicing suggest that this variant may create or strengthen a splice site. In summary, the available evidence is currently insufficient to determine the role of this variant in disease. Therefore, it has been classified as a Variant of Uncertain Significance.

Ambry Genetics
Classification: Uncertain significance for Cardiovascular phenotype. Last evaluated: 2025-11-13. Review status: criteria provided, single submitter. Criteria: Ambry Variant Classification Scheme 2023. Collection method: clinical testing. Allele origin: germline.
Comment: The p.L29Q variant (also known as c.86T>A), located in coding exon 3 of the TNNC1 gene, results from a T to A substitution at nucleotide position 86. The leucine at codon 29 is replaced by glutamine, an amino acid with dissimilar properties. This alteration has been reported in a hypertrophic cardiomyopathy (HCM) cohort (Hoffmann B et al. Hum Mutat, 2001 Jun;17:524). Several functional studies were performed for this alteration; however, they provided indeterminant results (Schmidtmann A et al. FEBS J, 2005 Dec;272:6087-97; Dweck D et al. J Biol Chem, 2008 Nov;283:33119-28; Liang B et al. Physiol Genomics, 2008 Apr;33:257-66; Neulen A et al. Basic Res Cardiol, 2009 Nov;104:751-60; Gollapudi SK et al. Biochem Res Int, 2012 Sep;2012:824068; Li AY et al. PLoS One, 2013 Nov;8:e79363; Stevens CM et al. J Biol Chem, 2017 Jul;292:11915-11926; Rayani K et al. FEBS J, 2022 Dec;289:7446-7465; Tikunova SB et al. Int J Mol Sci, 2023 Aug;24:[ePub ahead of print]). This amino acid position is well conserved in available vertebrate species. In addition, the in silico prediction for this alteration is inconclusive. Based on the available evidence, the clinical significance of this alteration remains unclear.

Blueprint Genetics
Classification: Uncertain significance. Last evaluated: 2024-01-29. Review status: criteria provided, single submitter. Criteria: ACMG Guidelines, 2015. Collection method: clinical testing. Allele origin: germline.

Institute of Human Genetics, Clinical Exome/Genome Diagnostics Group, University Hospital Bonn
Classification: Uncertain significance for Dilated cardiomyopathy 1Z; Hypertrophic cardiomyopathy 13. Last evaluated: 2023-03-07. Review status: criteria provided, single submitter. Criteria: ACMG Guidelines, 2015. Collection method: clinical testing. Allele origin: germline.

CeGaT Center for Human Genetics Tuebingen
Classification: Uncertain significance. Last evaluated: 2017-02-01. Review status: criteria provided, single submitter. Criteria: CeGaT Center For Human Genetics Tuebingen Variant Classification Criteria Version 2. Collection method: clinical testing. Allele origin: germline. Affected: yes. Observed: 1 variant allele.

Laboratory for Molecular Medicine, Mass General Brigham Personalized Medicine
Classification: Uncertain significance. Last evaluated: 2015-03-11. Review status: criteria provided, single submitter. Criteria: LMM Criteria. Collection method: clinical testing. Allele origin: germline. Observed: 1 variant allele.
Comment: The p.Leu29Gln variant in TNNC1 has been reported in 1 adult with HCM (Hoffmann 2001) and was absent from large population studies. Several vitro studies provid e conflicting data with some supporting a functional impact and others refuting this effect (Schmidtmann 2005, Baryshnikova 2008, Liang 2008, Dweck 2008, Neulen 2009, Parvatiyar 2012, Gollapudi 2012, Li 2013). Please note that in vitro assa ys may not accurately represent biological function. Leucine (Leu) at position 2 9 is conserved in mammals but not in evolutionarily distant species, and >10 fis h species carry a glutamine (Gln), raising the possibility that this change may be tolerated. In summary, due to the presence of conflicting data, the clinical significance of the p.Leu29Gln variant is uncertain.

Stanford Center for Inherited Cardiovascular Disease, Stanford University
Classification: Uncertain significance. Last evaluated: 2011-10-18. Review status: criteria provided, single submitter. Criteria: ACMG Guidelines, 2015. Collection method: provider interpretation. Allele origin: germline.

Clinical Genetics Service, Universitary Hospital 12 de Octubre
Classification: Likely pathogenic for Hypertrophic cardiomyopathy 13. Review status: criteria provided, single submitter. Criteria: ACMG Guidelines, 2015. Collection method: clinical testing. Allele origin: germline. Affected: yes.

OMIM
Classification: Pathogenic for CARDIOMYOPATHY, FAMILIAL HYPERTROPHIC, 13. Last evaluated: 2005-12-01. Review status: no assertion criteria provided. Collection method: literature only. Allele origin: germline. Not counted in ClinVar's aggregate classification.

Literature cited by the submitters: PubMed 11385718 (cited by 4 submitters); PubMed 38002985 (cited by Labcorp Genetics (formerly Invitae), Labcorp and Ambry Genetics); PubMed 16302972 (cited by 4 submitters); PubMed 18042489 (cited by Labcorp Genetics (formerly Invitae), Labcorp and Laboratory for Molecular Medicine, Mass General Brigham Personalized Medicine); PubMed 18063575 (cited by Labcorp Genetics (formerly Invitae), Labcorp); PubMed 18285522 (cited by 3 submitters); PubMed 18820258 (cited by 3 submitters); PubMed 19506933 (cited by 3 submitters); PubMed 23008774 (cited by 3 submitters); PubMed 23633581 (cited by Labcorp Genetics (formerly Invitae), Labcorp); PubMed 24260207 (cited by 3 submitters); PubMed 26341255 (cited by Labcorp Genetics (formerly Invitae), Labcorp); PubMed 28533433 (cited by Ambry Genetics); PubMed 35838319 (cited by Ambry Genetics); PubMed 37569724 (cited by Ambry Genetics); PubMed 22815480 (cited by Laboratory for Molecular Medicine, Mass General Brigham Personalized Medicine).

NM_003280.3(TNNC1):c.86T>A (p.Leu29Gln)

Gene: TNNC1 (troponin C1, slow skeletal and cardiac type; minus strand). Cytogenetic location: 3p21.1.
Variant type: single nucleotide variant.
Coding change: c.86T>A on transcript NM_003280.3 (MANE Select); coding-DNA position 86, T replaced by A.
Protein change: p.Leu29Gln; replaces leucine 29 with glutamine.
Molecular consequence: missense variant.
Genome position (GRCh38, 1-based): chr3:52,452,222, A>T on the plus strand (T>A on the coding strand, the complement: TNNC1 is on the minus strand). VCF-style: chr3-52452222-A-T. GRCh37 (hg19) VCF-style: chr3-52486238-A-T.
Other names: short protein forms L29Q.
Identifiers: ClinVar variation 12442 (VCV000012442.60), dbSNP rs267607123, ClinGen allele CA122395.